The following is an entry in ClinVar:

ClinVar aggregate classification (germline): Likely pathogenic (1 of 4 stars; one submission).

Allele frequency attached by ClinVar (database versions not stated): gnomAD exomes below 0.00001.
gnomAD v4.1: 1 of 1,613,848 alleles (0.000062%); highest among the groups gnomAD compares: Non-Finnish European, 0.000085%; no homozygotes.

Submission:

Centre of Medical Genetics, University Hospital Muenster
Classification: Likely pathogenic. Last evaluated: 2021-12-10. Review status: criteria provided, single submitter. Criteria: ACMG Guidelines, 2015. Collection method: clinical testing. Allele origin: de novo. Affected: yes. Observed: 1 variant allele, 1 heterozygote.
Comment: ACMG categories: PS2,PM1,PM2,BP1

NM_000829.4(GRIA4):c.341A>G (p.His114Arg)

Gene: GRIA4 (glutamate ionotropic receptor AMPA type subunit 4; plus strand). Cytogenetic location: 11q22.3.
Variant type: single nucleotide variant.
Coding change: c.341A>G on transcript NM_000829.4 (MANE Select); coding-DNA position 341, A replaced by G.
Protein change: p.His114Arg; replaces histidine 114 with arginine.
Molecular consequence: missense variant. On other transcripts: non-coding transcript variant (1).
Genome position (GRCh38, 1-based): chr11:105,753,074, A>G. VCF-style: chr11-105753074-A-G. GRCh37 (hg19) VCF-style: chr11-105623800-A-G.
Other names: c.341A>G, p.His114Arg (NM_001077243.3, NM_001077244.2, NM_001112812.2); short protein forms H114R.
Identifiers: ClinVar variation 1708322 (VCV001708322.2), dbSNP rs2497083502, ClinGen allele CA382299071.